The following is an entry in ClinVar:

NM_002439.5(MSH3):c.3202T>A (p.Tyr1068Asn)

Gene: MSH3 (mutS homolog 3; plus strand). Cytogenetic location: 5q14.1.
Variant type: single nucleotide variant.
Coding change: c.3202T>A on transcript NM_002439.5 (MANE Select); coding-DNA position 3202, T replaced by A.
Protein change: p.Tyr1068Asn; replaces tyrosine 1068 with asparagine.
Molecular consequence: missense variant.
Genome position (GRCh38, 1-based): chr5:80,873,187, T>A. VCF-style: chr5-80873187-T-A. GRCh37 (hg19) VCF-style: chr5-80169006-T-A.
Other names: short protein forms Y1068N.
Identifiers: ClinVar variation 3296307 (VCV003296307.1).

ClinVar aggregate classification (germline): Uncertain significance (1 of 4 stars; one submission).

Conditions:
Hereditary cancer-predisposing syndrome. Also called: Tumor predisposition; Hereditary Cancer Syndrome; Hereditary neoplastic syndrome; Neoplastic Syndromes, Hereditary. Identifiers: Orphanet 140162, MedGen C0027672, MeSH D009386, MONDO:0015356.

Submission:

Ambry Genetics
Classification: Uncertain significance for Hereditary cancer-predisposing syndrome. Last evaluated: 2024-06-08. Review status: criteria provided, single submitter. Criteria: Ambry Variant Classification Scheme 2023. Collection method: clinical testing. Allele origin: germline.
Comment: The p.Y1068N variant (also known as c.3202T>A), located in coding exon 23 of the MSH3 gene, results from a T to A substitution at nucleotide position 3202. The tyrosine at codon 1068 is replaced by asparagine, an amino acid with dissimilar properties. This amino acid position is conserved. In addition, this alteration is predicted to be deleterious by in silico analysis. Based on the available evidence, the clinical significance of this variant remains unclear.